The following is an entry in ClinVar:

NM_000016.6(ACADM):c.356T>A (p.Val119Asp)

Gene: ACADM (acyl-CoA dehydrogenase medium chain; plus strand). Cytogenetic location: 1p31.1.
Variant type: single nucleotide variant.
Coding change: c.356T>A on transcript NM_000016.6 (MANE Select); coding-DNA position 356, T replaced by A.
Protein change: p.Val119Asp; replaces valine 119 with aspartic acid.
Molecular consequence: missense variant. On other transcripts: intron variant (1).
Genome position (GRCh38, 1-based): chr1:75,733,597, T>A. VCF-style: chr1-75733597-T-A. GRCh37 (hg19) VCF-style: chr1-76199282-T-A.
Other names: c.368T>A, p.Val123Asp (NM_001127328.3); c.248T>A, p.Val83Asp (NM_001286042.2); c.455T>A, p.Val152Asp (NM_001286043.2); c.-100+675T>A (NM_001286044.2); c.356T>A (NM_000016.5); short protein forms V119D, V123D, V83D, V152D.
Identifiers: ClinVar variation 554729 (VCV000554729.3), dbSNP rs1553123077, ClinGen allele CA340812447.

ClinVar aggregate classification (germline): Likely pathogenic. Review status: criteria provided, single submitter (1 of 4 stars). 2 submissions from 2 submitters: Likely pathogenic (1). 1 of the submissions does not count toward it. Last evaluated 2025-09-29.

Conditions:
Medium-chain acyl-coenzyme A dehydrogenase deficiency (ACADMD). Also called: ACADM DEFICIENCY; CARNITINE DEFICIENCY SECONDARY TO MEDIUM-CHAIN ACYL-CoA DEHYDROGENASE DEFICIENCY; MCADH DEFICIENCY; MCADD; Medium chain acyl-CoA dehydrogenase deficiency; MCAD Deficiency. Identifiers: Orphanet 42, MedGen C0220710, MONDO:0008721, OMIM 201450.

Allele frequency attached by ClinVar (database versions not stated): gnomAD exomes below 0.00001.
gnomAD v4.1: 1 of 1,613,958 alleles (0.000062%); highest among the groups gnomAD compares: Non-Finnish European, 0.000085%; no homozygotes.

Submissions (2):

Natera, Inc.
Classification: Likely pathogenic for Medium Chain Acyl-CoA Dehydrogenase Deficiency. Last evaluated: 2025-09-29. Review status: criteria provided, single submitter. Criteria: Natera Variant Classification Schema (03/2026). Collection method: clinical testing. Allele origin: germline.
Comment: The c.356T>A variant in ACADM is a missense variant predicted to cause substitution of valine to aspartic acid at amino acid 119. This variant is rare in the general population with a frequency below the threshold expected for the associated phenotype(s). This variant has been observed in one or more individuals affected with the associated recessive disease, as either homozygous or compound heterozygous with a second variant (PMID: 24294134). Computational prediction algorithms indicate this variant is likely to affect gene or protein function. Given the available evidence, this variant is classified as Likely Pathogenic.

Counsyl
Classification: Uncertain significance for Medium-chain acyl-coenzyme A dehydrogenase deficiency. Last evaluated: 2017-11-02. Review status: no assertion criteria provided. Collection method: clinical testing. Allele origin: unknown. Not counted in ClinVar's aggregate classification.

Literature cited by the submitters: PubMed 24294134 (cited by Natera, Inc. and Counsyl).